The following is an entry in ClinVar:

NM_000059.4(BRCA2):c.5511del (p.Phe1837fs)

Gene: BRCA2 (BRCA2 DNA repair associated; plus strand). Cytogenetic location: 13q13.1.
Variant type: Deletion.
Coding change: c.5511del on transcript NM_000059.4 (MANE Select); coding-DNA position 5511, one base deleted (T; older notation c.5511delT).
Protein change: p.Phe1837fs; shifts the reading frame from phenylalanine 1837.
Molecular consequence: frameshift variant. On other transcripts: non-coding transcript variant (1), intron variant (2).
Genome position (GRCh38, 1-based): chr13:32,339,866, T deleted; the last of 4 consecutive T bases (chr13:32,339,863-32,339,866); deleting any one gives the same sequence. VCF-style (leftmost placement, unchanged base first): chr13-32339862-AT-A. GRCh37 (hg19) VCF-style: chr13-32913999-AT-A.
Other names: c.5511del, p.Phe1837fs (NM_001406719.1, NM_001406720.1, NM_001432077.1); c.1910-4692del (NM_001406721.1); c.425-4692del (NM_001406722.1); short protein forms F1837fs.
Identifiers: ClinVar variation 4850871 (VCV004850871.1).
Genomic context (GRCh38, chr13:32,339,862, plus strand): 5'-GCTCTTCACCCTGCAAAAATAAAAATGCAGCCATTAAATTGTCCATATCTAATAGTAATA[AT>A]TTTGAGGTAGGGCCACCTGCATTTAGGATAGCCAGTGGTAAAATCGTTTGTGTTTCACAT-3'

ClinVar aggregate classification (germline): Pathogenic (1 of 4 stars; one submission).

Conditions:
Hereditary breast ovarian cancer syndrome. Also called: Hereditary breast and ovarian cancer syndrome (HBOC); Hereditary breast and ovarian cancer; Breast and ovarian cancer; Hereditary breast and ovarian cancer syndrome; Hereditary breast and/or ovarian cancer syndrome; BRCA1- and BRCA2-Associated Hereditary Breast and Ovarian Cancer. Identifiers: Orphanet 145, MedGen C0677776, MeSH D061325, MONDO:0003582. Disease mechanism: loss of function.

Submission:

Dipartimento Di Medicina Di Precisione, Università Degli Studi Della Campania Luigi Vanvitelli
Classification: Pathogenic for Hereditary breast ovarian cancer syndrome. Last evaluated: 2022-02-13. Review status: criteria provided, single submitter. Criteria: ACMG Guidelines, 2015. Collection method: clinical testing. Allele origin: germline. Inheritance: Autosomal dominant inheritance. Affected: yes.
Comment: BRCA2 mutations, c.5511delT (p.Phe1837LeufsX3), was a novel germline mutation, not previously reported in any database. This mutation, localized in exon 11, consists of a thymine deletion at nucleotide 5511, which results in the introduction of a premature stop codon at position 1840.

Literature cited by the submitters: DOI 10.3390/genes13020321.